The following is an entry in ClinVar:

NM_024426.6(WT1):c.49C>A (p.Pro17Thr)

Genes: WT1 (WT1 transcription factor; minus strand), LOC107982234 (WT1/WT1-AS bi-directional promoter region; plus strand). Cytogenetic location: 11p13.
Variant type: single nucleotide variant.
Coding change: c.49C>A on transcript NM_024426.6 (MANE Select); coding-DNA position 49, C replaced by A.
Protein change: p.Pro17Thr; replaces proline 17 with threonine.
Molecular consequence: missense variant. On other transcripts: non-coding transcript variant (2).
Genome position (GRCh38, 1-based): chr11:32,435,312, G>T on the plus strand (C>A on the coding strand, the complement: WT1 is on the minus strand). VCF-style: chr11-32435312-G-T. GRCh37 (hg19) VCF-style: chr11-32456858-G-T.
Other names: c.49C>A, p.Pro17Thr (NM_000378.6, NM_001407044.1, NM_001407045.1 and 6 more transcripts); c.-171C>A (NM_001429031.1, NM_001429032.1, NM_001429033.1 and 1 more transcripts); c.34C>A, p.Pro12Thr (NM_024425.2); short protein forms P12T, P17T.
Identifiers: ClinVar variation 3071228 (VCV003071228.1), dbSNP rs1400931478, ClinGen allele CA379966495.
Genomic context (GRCh38, chr11:32,435,312, plus strand): 5'-CCTGCTGCTCTGGCTGCTGTAGGCACCCAGGCCCGGAGCGGAGCGTGTGCTGAGACGCCG[G>T]CTCCGGGACACACGTGGAAGCCGGGTCCTGCAGCAAGAGGAAGTCCAGGATCGCGGCGAG-3'
Protein context (NP_077744.4, residues 7-27): QDPASTCVPE[Pro17Thr]ASQHTLRSGP

ClinVar aggregate classification (germline): Uncertain significance (1 of 4 stars; one submission).

Conditions:
Wilms tumor 1 (WT1). Also called: Wilms tumor, somatic. Identifiers: Orphanet 654, MedGen CN033288, MONDO:0008679, OMIM 194070.

Allele frequency attached by ClinVar (database versions not stated): gnomAD exomes below 0.00001.
gnomAD v4.1: 3 of 1,532,850 alleles (0.0002%); highest among the groups gnomAD compares: South Asian, 0.0024%; no homozygotes.

Submission:

All of Us Research Program, National Institutes of Health
Classification: Uncertain significance for Wilms tumor 1. Last evaluated: 2023-05-16. Review status: criteria provided, single submitter. Criteria: ACMG Guidelines, 2015. Collection method: clinical testing. Allele origin: germline. Inheritance: Autosomal dominant inheritance. Observed: 1 variant allele, 1 heterozygote.
Comment: This missense variant replaces proline with threonine at codon 12 of the WT1 protein. Computational prediction suggests that this variant may not impact protein structure and function (internally defined REVEL score threshold <= 0.5, PMID: 27666373). To our knowledge, functional studies have not been reported for this variant. This variant has not been reported in individuals affected with WT1-related disorders in the literature. This variant has been identified in 1/129436 chromosomes in the general population by the Genome Aggregation Database (gnomAD). The available evidence is insufficient to determine the role of this variant in disease conclusively. Therefore, this variant is classified as a Variant of Uncertain Significance.

This study involves interpretation of variants in research participants for the purpose of population health screening. Participant phenotype was not available at the time of variant classification. Additional details can be found in publication PMID: 35346344, PMCID: PMC8962531